The following is an entry in ClinVar:

ClinVar aggregate classification (germline): Uncertain significance (1 of 4 stars; one submission).

Conditions:
PKD2-related disorder. Also called: PKD2-related condition.

Submission:

PreventionGenetics, part of Exact Sciences
Classification: Uncertain significance for PKD2-related condition. Last evaluated: 2025-12-19. Review status: criteria provided, single submitter. Criteria: ACMG Guidelines, 2015. Collection method: clinical testing. Allele origin: germline.
Comment: The PKD2 c.1425C>A variant is not predicted to result in an amino acid change (p.=). This variant is predicted to alter splicing based on available splicing prediction programs (SpliceAI, Jaganathan et al. 2019. PubMed ID: 30661751). However, the use of computer prediction programs is not equivalent to functional evidence. To our knowledge, this variant has not been reported in the literature or in a large population database (gnomAD), indicating this variant is rare. At this time, the clinical significance of this variant is uncertain due to the absence of conclusive functional and genetic evidence.

NM_000297.4(PKD2):c.1425C>A (p.Ala475=)

Gene: PKD2 (polycystin 2, transient receptor potential cation channel; plus strand). Cytogenetic location: 4q22.1.
Variant type: single nucleotide variant.
Coding change: c.1425C>A on transcript NM_000297.4 (MANE Select); coding-DNA position 1425, C replaced by A.
Protein change: p.Ala475=; no amino-acid change (alanine 475 retained).
Molecular consequence: synonymous variant. On other transcripts: non-coding transcript variant (1).
Genome position (GRCh38, 1-based): chr4:88,046,747, C>A. VCF-style: chr4-88046747-C-A. GRCh37 (hg19) VCF-style: chr4-88967899-C-A.
Other names: c.1200C>A, p.Ala400= (NM_001440544.1).
Identifiers: ClinVar variation 4994697 (VCV004994697.1).
Genomic context (GRCh38, chr4:88,046,747, plus strand): 5'-GCAATTTCAGCCTTTAAAGCTGATCCGATATGTCACAACTTTTGATTTCTTCCTGGCAGC[C>A]TGTGAGATTATCTTTTGTTTCTTTATCTTTTACTATGTGGTGGAAGAGATATTGGAAATT-3'
Protein context (NP_000288.1, residues 465-485): YVTTFDFFLA[Ala475=]CEIIFCFFIF